The following is an entry in ClinVar:

ClinVar aggregate classification (germline): Uncertain significance (1 of 4 stars; one submission).

Conditions:
Multiple endocrine neoplasia, type 1 (MEN1). Also called: MEN I; WERMER SYNDROME; Endocrine adenomatosis multiple; MEN 1; MEA I. Identifiers: Orphanet 652, MedGen C0025267, MeSH D018761, MONDO:0007540, OMIM 131100.

Allele frequency attached by ClinVar (database versions not stated): gnomAD exomes below 0.00001.

Submission:

Labcorp Genetics (formerly Invitae), Labcorp
Classification: Uncertain significance for Multiple endocrine neoplasia, type 1. Last evaluated: 2024-04-23. Review status: criteria provided, single submitter. Criteria: Invitae Variant Classification Sherloc (09022015). Collection method: clinical testing. Allele origin: germline.
Comment: This sequence change replaces serine, which is neutral and polar, with asparagine, which is neutral and polar, at codon 573 of the MEN1 protein (p.Ser573Asn). This variant is present in population databases (no rsID available, gnomAD 0.004%). This variant has not been reported in the literature in individuals affected with MEN1-related conditions. ClinVar contains an entry for this variant (Variation ID: 942761). Advanced modeling of protein sequence and biophysical properties (such as structural, functional, and spatial information, amino acid conservation, physicochemical variation, residue mobility, and thermodynamic stability) performed at Invitae indicates that this missense variant is expected to disrupt MEN1 protein function with a positive predictive value of 95%. In summary, the available evidence is currently insufficient to determine the role of this variant in disease. Therefore, it has been classified as a Variant of Uncertain Significance.

NM_001370259.2(MEN1):c.1718G>A (p.Ser573Asn)

Gene: MEN1 (menin 1; minus strand). Cytogenetic location: 11q13.1.
Variant type: single nucleotide variant.
Coding change: c.1718G>A on transcript NM_001370259.2 (MANE Select); coding-DNA position 1718, G replaced by A.
Protein change: p.Ser573Asn; replaces serine 573 with asparagine.
Molecular consequence: missense variant.
Genome position (GRCh38, 1-based): chr11:64,804,449, C>T on the plus strand (G>A on the coding strand, the complement: MEN1 is on the minus strand). VCF-style: chr11-64804449-C-T. GRCh37 (hg19) VCF-style: chr11-64571921-C-T.
Other names: c.1733G>A, p.Ser578Asn (NM_000244.4, NM_130800.3, NM_130801.3 and 3 more transcripts); c.1844G>A, p.Ser615Asn (NM_001370251.2); c.1718G>A, p.Ser573Asn (NM_001370260.2, NM_001370261.2, NM_130799.3); c.1613G>A, p.Ser538Asn (NM_001370262.2, NM_001370263.2); short protein forms S573N, S578N, S615N, S538N.
Identifiers: ClinVar variation 942761 (VCV000942761.9), dbSNP rs1257993399, ClinGen allele CA381177591.